The following is an entry in ClinVar:

ClinVar aggregate classification (germline): Uncertain significance (1 of 4 stars; one submission).

Conditions:
Mitochondrial hypertrophic cardiomyopathy with lactic acidosis due to MTO1 deficiency. Also called: CARDIOMYOPATHY, INFANTILE HYPERTROPHIC MITOCHONDRIAL, AND LACTIC ACIDOSIS; Combined oxidative phosphorylation deficiency 10. Identifiers: Orphanet 314637, MedGen C4749921, MONDO:0013865, OMIM 614702.

Allele frequency attached by ClinVar (database versions not stated): gnomAD exomes 0.00001.
gnomAD v4.1: 9 of 1,614,100 alleles (0.00056%); highest among the groups gnomAD compares: Non-Finnish European, 0.00076%; no homozygotes.

Submission:

Labcorp Genetics (formerly Invitae), Labcorp
Classification: Uncertain significance for Mitochondrial hypertrophic cardiomyopathy with lactic acidosis due to MTO1 deficiency. Last evaluated: 2021-10-04. Review status: criteria provided, single submitter. Criteria: Invitae Variant Classification Sherloc (09022015). Collection method: clinical testing. Allele origin: germline.
Comment: This variant is not present in population databases (ExAC no frequency). In summary, the available evidence is currently insufficient to determine the role of this variant in disease. Therefore, it has been classified as a Variant of Uncertain Significance. Algorithms developed to predict the effect of missense changes on protein structure and function (SIFT, PolyPhen-2, Align-GVGD) all suggest that this variant is likely to be tolerated. This variant has been observed in individual(s) with clinical features of combined oxidative phosphorylation deficiency (PMID: 25058219, 29331171). This sequence change replaces histidine with arginine at codon 256 of the MTO1 protein (p.His256Arg). The histidine residue is weakly conserved and there is a small physicochemical difference between histidine and arginine.

Literature cited by the submitters: PubMed 25058219; PubMed 29331171.

NM_012123.4(MTO1):c.767A>G (p.His256Arg)

Gene: MTO1 (mitochondrial tRNA translation optimization 1; plus strand). Cytogenetic location: 6q13.
Variant type: single nucleotide variant.
Coding change: c.767A>G on transcript NM_012123.4 (MANE Select); coding-DNA position 767, A replaced by G.
Protein change: p.His256Arg; replaces histidine 256 with arginine.
Molecular consequence: missense variant.
Genome position (GRCh38, 1-based): chr6:73,473,596, A>G. VCF-style: chr6-73473596-A-G. GRCh37 (hg19) VCF-style: chr6-74183319-A-G.
Other names: c.767A>G, p.His256Arg (NM_001123226.2, NM_133645.3); short protein forms H256R.
Identifiers: ClinVar variation 1438941 (VCV001438941.6), dbSNP rs1771216675, ClinGen allele CA364714008.
Genomic context (GRCh38, chr6:73,473,596, plus strand): 5'-AGACTGGGACTCCACCCCGAATTGCCAAAGAGTCCATTAATTTCAGTATTCTAAACAAGC[A>G]TATACCGGACAATCCATCCATACCATTCAGCTTTACCAATGAGACAGTATGGATTAAGGT-3'
Protein context (NP_036255.2, residues 246-266): ESINFSILNK[His256Arg]IPDNPSIPFS